The following is an entry in ClinVar:

ClinVar aggregate classification (germline): Likely benign (1 of 4 stars; one submission).

Conditions:
Cenani-Lenz syndactyly syndrome. Also called: CENANI SYNDACTYLISM; SYNDACTYLY, TYPE VII. Identifiers: Orphanet 3258, MedGen C1859309, MONDO:0008931, OMIM 212780.

Allele frequency attached by ClinVar (database versions not stated): TOPMed 0.02295; gnomAD 0.01993 and 0.02130; 1000 Genomes Project 0.02256; 1000 Genomes Project 30x 0.02436.

Submission:

Illumina Laboratory Services, Illumina
Classification: Likely benign for Cenani-Lenz syndactyly syndrome. Last evaluated: 2017-04-27. Review status: criteria provided, single submitter. Criteria: ICSL Variant Classification Criteria 13 December 2019. Collection method: clinical testing. Allele origin: germline.
Comment: This variant was observed as part of a predisposition screen in an ostensibly healthy population. A literature search was performed for the gene, cDNA change, and amino acid change (where applicable). No publications were found based on this search. Allele frequency data from public databases allowed determination this variant is unlikely to cause disease. Therefore, this variant is classified as likely benign.

NM_002334.4(LRP4):c.*2104C>G

Genes: LRP4 (LDL receptor related protein 4; minus strand), LRP4-AS1 (LRP4 antisense RNA 1; plus strand). Cytogenetic location: 11p11.2.
Variant type: single nucleotide variant.
Coding change: c.*2104C>G on transcript NM_002334.4 (MANE Select); 2104 bases downstream of the stop codon, C replaced by G.
Molecular consequence: 3 prime UTR variant.
Genome position (GRCh38, 1-based): chr11:46,856,879, G>C on the plus strand (C>G on the coding strand, the complement: LRP4 is on the minus strand). VCF-style: chr11-46856879-G-C. GRCh37 (hg19) VCF-style: chr11-46878430-G-C.
Identifiers: ClinVar variation 304825 (VCV000304825.5), dbSNP rs7928628, ClinGen allele CA10638669.